The following is an entry in ClinVar:

NM_001146079.2(CLDN14):c.364G>A (p.Gly122Ser)

Genes: CLDN14 (claudin 14; minus strand), CLDN14-AS1 (CLDN14 antisense RNA 1; plus strand). Cytogenetic location: 21q22.13.
Variant type: single nucleotide variant.
Coding change: c.364G>A on transcript NM_001146079.2 (MANE Select); coding-DNA position 364, G replaced by A.
Protein change: p.Gly122Ser; replaces glycine 122 with serine.
Molecular consequence: missense variant.
Genome position (GRCh38, 1-based): chr21:36,461,332, C>T on the plus strand (G>A on the coding strand, the complement: CLDN14 is on the minus strand). VCF-style: chr21-36461332-C-T. GRCh37 (hg19) VCF-style: chr21-37833630-C-T.
Other names: c.364G>A, p.Gly122Ser (NM_001146077.2, NM_001146078.3, NM_012130.4 and 1 more transcripts); short protein forms G122S.
Identifiers: ClinVar variation 1065076 (VCV001065076.12), dbSNP rs769599110, ClinGen allele CA10019277.

ClinVar aggregate classification (germline): Uncertain significance. Review status: criteria provided, multiple submitters, no conflicts (2 of 4 stars). 5 submissions from 5 submitters: Uncertain significance (5). Last evaluated 2024-05-13.

Conditions:
Hearing impairment. Also called: Impaired Hearing. Identifiers: MedGen C1384666, MONDO:0005365, HP:0000365.
Autosomal recessive nonsyndromic hearing loss 29. Identifiers: Orphanet 90636, MedGen C3279660, MONDO:0013537, OMIM 614035.

Allele frequency attached by ClinVar (database versions not stated): ExAC 0.00006; gnomAD exomes 0.00008 and 0.00005; gnomAD 0.00005 and 0.00006; TOPMed 0.00005.
gnomAD v4.1: 119 of 1,613,378 alleles (0.0074%); highest among the groups gnomAD compares: Non-Finnish European, 0.0092%; no homozygotes.

Submissions (5):

GeneDx
Classification: Uncertain significance. Last evaluated: 2024-05-13. Review status: criteria provided, single submitter. Criteria: GeneDx Variant Classification Process June 2021. Collection method: clinical testing. Allele origin: germline.
Comment: In silico analysis supports that this missense variant has a deleterious effect on protein structure/function; Has not been previously published as pathogenic or benign to our knowledge

Blueprint Genetics
Classification: Uncertain significance. Last evaluated: 2023-10-18. Review status: criteria provided, single submitter. Criteria: ACMG Guidelines, 2015. Collection method: clinical testing. Allele origin: germline.

Labcorp Genetics (formerly Invitae), Labcorp
Classification: Uncertain significance. Last evaluated: 2022-02-18. Review status: criteria provided, single submitter. Criteria: Invitae Variant Classification Sherloc (09022015). Collection method: clinical testing. Allele origin: germline.
Comment: This sequence change replaces glycine, which is neutral and non-polar, with serine, which is neutral and polar, at codon 122 of the CLDN14 protein (p.Gly122Ser). This variant is present in population databases (rs769599110, gnomAD 0.01%). This variant has not been reported in the literature in individuals affected with CLDN14-related conditions. ClinVar contains an entry for this variant (Variation ID: 1065076). Algorithms developed to predict the effect of missense changes on protein structure and function (SIFT, PolyPhen-2, Align-GVGD) all suggest that this variant is likely to be disruptive. In summary, the available evidence is currently insufficient to determine the role of this variant in disease. Therefore, it has been classified as a Variant of Uncertain Significance.

Fulgent Genetics
Classification: Uncertain significance for Autosomal recessive nonsyndromic hearing loss 29. Last evaluated: 2021-12-22. Review status: criteria provided, single submitter. Criteria: ACMG Guidelines, 2015. Collection method: clinical testing. Allele origin: unknown.

Department of Otolaryngology – Head & Neck Surgery, Cochlear Implant Center
Classification: Uncertain significance for Hearing impairment. Last evaluated: 2021-04-12. Review status: criteria provided, single submitter. Criteria: ClinGen HL ACMG Specifications v1. Collection method: clinical testing. Allele origin: germline. Affected: yes.
Comment: PM2_Moderate, PP3_Supporting